The following is an entry in ClinVar:

NM_000161.3(GCH1):c.751T>C (p.Ter251Arg)

Gene: GCH1 (GTP cyclohydrolase 1; minus strand). Cytogenetic location: 14q22.2.
Variant type: single nucleotide variant.
Coding change: c.751T>C on transcript NM_000161.3 (MANE Select); coding-DNA position 751, T replaced by C.
Protein change: p.Ter251Arg.
Molecular consequence: stop lost. On other transcripts: intron variant (3).
Genome position (GRCh38, 1-based): chr14:54,844,019, A>G on the plus strand (T>C on the coding strand, the complement: GCH1 is on the minus strand). VCF-style: chr14-54844019-A-G. GRCh37 (hg19) VCF-style: chr14-55310737-A-G.
Other names: c.627-150T>C (NM_001024070.2); c.751T>C, p.Ter251Arg (NM_001024024.2); c.457T>C, p.Ter153Arg (NM_001424105.1); c.510-965T>C (NM_001424104.1); c.627-965T>C (NM_001024071.2).
Identifiers: ClinVar variation 2925514 (VCV002925514.3), dbSNP rs2504336140, ClinGen allele CA389786576.

ClinVar aggregate classification (germline): Pathogenic (1 of 4 stars; one submission).

Conditions:
Dystonia 5 (DRD). Also called: DYSTONIA, PROGRESSIVE, WITH DIURNAL VARIATION; DYSTONIA-PARKINSONISM WITH DIURNAL FLUCTUATION; GTP Cyclohydrolase 1-Deficient Dopa-Responsive Dystonia; Dystonia, DOPA-responsive, with or without hyperphenylalaninemia; DYT-GCH1. Identifiers: Orphanet 98808, MedGen C1851920, MONDO:0007495, OMIM 128230.
GTP cyclohydrolase I deficiency. Identifiers: MedGen C0268467, MONDO:0100184.

Submission:

Labcorp Genetics (formerly Invitae), Labcorp
Classification: Pathogenic for GTP cyclohydrolase I deficiency; Dystonia 5. Last evaluated: 2023-12-30. Review status: criteria provided, single submitter. Criteria: Invitae Variant Classification Sherloc (09022015). Collection method: clinical testing. Allele origin: germline.
Comment: This sequence change disrupts the translational stop signal of the GCH1 mRNA. It is expected to extend the length of the GCH1 protein by 35 additional amino acid residues. This variant is not present in population databases (gnomAD no frequency). This protein extension has been observed in individual(s) with autosomal dominant dopa-responsive dystonia (PMID: 12707079, 29470312). It has also been observed to segregate with disease in related individuals. This variant is also known as c.899T>C (X251R). For these reasons, this variant has been classified as Pathogenic.

Literature cited by the submitters: PubMed 12707079; PubMed 29470312.